The following is an entry in ClinVar:

NM_001123385.2(BCOR):c.4383C>T (p.Asn1461=)

Gene: BCOR (BCL6 corepressor; minus strand). Cytogenetic location: Xp11.4.
Variant type: single nucleotide variant.
Coding change: c.4383C>T on transcript NM_001123385.2 (MANE Select); coding-DNA position 4383, C replaced by T.
Protein change: p.Asn1461=; no amino-acid change (asparagine 1461 retained).
Molecular consequence: synonymous variant.
Genome position (GRCh38, 1-based): chrX:40,062,184, G>A on the plus strand (C>T on the coding strand, the complement: BCOR is on the minus strand). VCF-style: chrX-40062184-G-A. GRCh37 (hg19) VCF-style: chrX-39921437-G-A.
Other names: c.4281C>T, p.Asn1427= (NM_017745.6, NM_001123383.2); c.4227C>T, p.Asn1409= (NM_001123384.2).
Identifiers: ClinVar variation 696948 (VCV000696948.33), dbSNP rs189731022, ClinGen allele CA10386456.

ClinVar aggregate classification (germline): Benign/Likely benign. Review status: criteria provided, multiple submitters, no conflicts (2 of 4 stars). 3 submissions from 3 submitters: Benign (1); Likely benign (2). Last evaluated 2025-08-18.

Conditions:
Oculofaciocardiodental syndrome (MCOPS2). Identifiers: Orphanet 2712, MedGen C1846265, MONDO:0010261, OMIM 300166.

Allele frequency attached by ClinVar (database versions not stated): gnomAD exomes 0.00007 and 0.00018; ExAC 0.00016; TOPMed 0.00021; gnomAD 0.00023 and 0.00025; ESP Exome Variant Server 0.00028; 1000 Genomes Project 30x 0.00042; 1000 Genomes Project 0.00053.
gnomAD v4.1: 222 of 1,205,230 alleles (0.018%); highest among the groups gnomAD compares: Middle Eastern, 0.046%; no homozygotes.

Submissions (3):

Labcorp Genetics (formerly Invitae), Labcorp
Classification: Benign for Oculofaciocardiodental syndrome. Last evaluated: 2025-08-18. Review status: criteria provided, single submitter. Criteria: Invitae Variant Classification Sherloc (09022015). Collection method: clinical testing. Allele origin: germline.

Blueprint Genetics
Classification: Likely benign. Last evaluated: 2024-10-09. Review status: criteria provided, single submitter. Criteria: ACMG Guidelines, 2015. Collection method: clinical testing. Allele origin: germline.

CeGaT Center for Human Genetics Tuebingen
Classification: Likely benign. Last evaluated: 2023-01-01. Review status: criteria provided, single submitter. Criteria: CeGaT Center For Human Genetics Tuebingen Variant Classification Criteria Version 2. Collection method: clinical testing. Allele origin: germline. Affected: yes. Observed: 1 variant allele.
Comment: BCOR: BP4, BP7, BS2